The following is an entry in ClinVar:

NM_004369.4(COL6A3):c.2468G>T (p.Gly823Val)

Gene: COL6A3 (collagen type VI alpha 3 chain; minus strand). Cytogenetic location: 2q37.3.
Variant type: single nucleotide variant.
Coding change: c.2468G>T on transcript NM_004369.4 (MANE Select); coding-DNA position 2468, G replaced by T.
Protein change: p.Gly823Val; replaces glycine 823 with valine.
Molecular consequence: missense variant. On other transcripts: intron variant (1).
Genome position (GRCh38, 1-based): chr2:237,378,665, C>A on the plus strand (G>T on the coding strand, the complement: COL6A3 is on the minus strand). VCF-style: chr2-237378665-C-A. GRCh37 (hg19) VCF-style: chr2-238287308-C-A.
Other names: c.1247G>T, p.Gly416Val (NM_057164.5); c.1850G>T, p.Gly617Val (NM_057165.5, NM_057167.4); c.677-1321G>T (NM_057166.5); short protein forms G416V, G823V, G617V.
Identifiers: ClinVar variation 2770175 (VCV002770175.3), dbSNP rs1559257467, ClinGen allele CA351212224.

ClinVar aggregate classification (germline): Uncertain significance (1 of 4 stars; one submission).

Conditions:
Bethlem myopathy 1A. Also called: Bethlem myopathy 1; Bethlem Muscular Dystrophy; MYOPATHY, BENIGN CONGENITAL, WITH CONTRACTURES. Identifiers: Orphanet 610, MedGen CN029274, MONDO:0024530, OMIM 158810.

Allele frequency attached by ClinVar (database versions not stated): gnomAD exomes 0.00001.
gnomAD v4.1: 15 of 1,613,110 alleles (0.00093%); highest among the groups gnomAD compares: Non-Finnish European, 0.0013%; no homozygotes.

Submission:

Labcorp Genetics (formerly Invitae), Labcorp
Classification: Uncertain significance for Bethlem myopathy 1A. Last evaluated: 2023-06-30. Review status: criteria provided, single submitter. Criteria: Invitae Variant Classification Sherloc (09022015). Collection method: clinical testing. Allele origin: germline.
Comment: In summary, the available evidence is currently insufficient to determine the role of this variant in disease. Therefore, it has been classified as a Variant of Uncertain Significance. Advanced modeling of protein sequence and biophysical properties (such as structural, functional, and spatial information, amino acid conservation, physicochemical variation, residue mobility, and thermodynamic stability) performed at Invitae indicates that this missense variant is not expected to disrupt COL6A3 protein function. This variant has not been reported in the literature in individuals affected with COL6A3-related conditions. This variant is not present in population databases (gnomAD no frequency). This sequence change replaces glycine, which is neutral and non-polar, with valine, which is neutral and non-polar, at codon 823 of the COL6A3 protein (p.Gly823Val).